The following is an entry in ClinVar:

NM_000153.4(GALC):c.196G>A (p.Ala66Thr)

Gene: GALC (galactosylceramidase; minus strand). Cytogenetic location: 14q31.3.
Variant type: single nucleotide variant.
Coding change: c.196G>A on transcript NM_000153.4 (MANE Select); coding-DNA position 196, G replaced by A.
Protein change: p.Ala66Thr; replaces alanine 66 with threonine.
Molecular consequence: missense variant. On other transcripts: intron variant (1).
Genome position (GRCh38, 1-based): chr14:87,988,523, C>T on the plus strand (G>A on the coding strand, the complement: GALC is on the minus strand). VCF-style: chr14-87988523-C-T. GRCh37 (hg19) VCF-style: chr14-88454867-C-T.
Other names: c.118G>A, p.Ala40Thr (NM_001201402.2); c.196-316G>A (NM_001201401.2); short protein forms A66T, A40T.
Identifiers: ClinVar variation 374023 (VCV000374023.4), dbSNP rs1057518843, ClinGen allele CA16043485.

ClinVar aggregate classification (germline): Likely pathogenic. Review status: criteria provided, single submitter (1 of 4 stars). 2 submissions from 1 submitter: Likely pathogenic (2). Last evaluated 2016-01-01.

Conditions:
Galactosylceramide beta-galactosidase deficiency. Also called: Krabbe Disease; Leukodystrophy, Globoid Cell; GALACTOCEREBROSIDASE DEFICIENCY; GALC DEFICIENCY; GLOBOID CELL LEUKOENCEPHALOPATHY. Identifiers: Orphanet 487, MedGen C0023521, MONDO:0009499, OMIM 245200.
EMG abnormality. Identifiers: MedGen C0476403, HP:0003457.
Neonatal hypoglycemia. Identifiers: MedGen C0158986, HP:0001998.
Loss of ambulation. Also called: Loss of ability to walk. Identifiers: MedGen C1836843, HP:0002505.
Dysmyelinating leukodystrophy. Identifiers: MedGen C3278204, HP:0006978.
Small for gestational age. Also called: Low birth weight. Identifiers: MedGen C0235991, HP:0001518.
Progressive visual loss. Identifiers: MedGen C1839364, HP:0000529.
Nystagmus. Identifiers: MedGen C0028738, MONDO:0004843, HP:0000639.
Hemiparesis. Identifiers: MedGen C0018989, HP:0001269.
EMG: axonal abnormality. Identifiers: MedGen C4025609, HP:0003482.
Amblyopia. Identifiers: MedGen C0002418, MONDO:0001020, HP:0000646.
EEG abnormality. Also called: EEG abnormalities; Electroencephalogram (EEG) abnormalities. Identifiers: MedGen C0151611, HP:0002353.
Seizure. Also called: Seizures. Identifiers: MedGen C0036572, HP:0001250.
Status epilepticus. Also called: Repeated seizure without recovery. Identifiers: MedGen C0038220, HP:0002133, MONDO:0002125.
Breech presentation. Identifiers: MedGen C0006157, HP:0001623.
Developmental regression. Also called: C1836830. Identifiers: MedGen C1836830, HP:0002376.
Strabismus. Identifiers: MedGen C0038379, MONDO:0003432, HP:0000486.
Leukodystrophy. Identifiers: Orphanet 68356, MedGen C0023520, MONDO:0019046, HP:0002415.
Global developmental delay (DD). Also called: Cognitive delay. Identifiers: MedGen C0557874, HP:0001263. Disease mechanism: loss of function.
Fetal growth restriction (IUGR). Also called: Intrauterine growth restriction; Intrauterine growth retardation; Intra uterine growth retardation. Identifiers: MedGen C0015934, MONDO:0005030, HP:0001511.

Submissions (2):

Centre for Mendelian Genomics, University Medical Centre Ljubljana
Classification: Likely pathogenic for Galactosylceramide beta-galactosidase deficiency. Last evaluated: 2016-01-01. Review status: criteria provided, single submitter. Criteria: ACMG Guidelines, 2015. Collection method: clinical testing. Allele origin: unknown. Affected: yes.
Comment: This variant was classified as: Likely pathogenic.

Centre for Mendelian Genomics, University Medical Centre Ljubljana
Classification: Likely pathogenic for Amblyopia; Breech presentation; Developmental regression; Dysmyelinating leukodystrophy; EEG abnormality; EMG abnormality; EMG: axonal abnormality; Global developmental delay; Hemiparesis; Fetal growth restriction; Leukodystrophy; Loss of ambulation; Neonatal hypoglycemia; Nystagmus; Progressive visual loss; Seizure; Small for gestational age; Status epilepticus; Strabismus. Last evaluated: 2015-10-28. Review status: criteria provided, single submitter. Criteria: ACMG Guidelines, 2015. Collection method: clinical testing. Allele origin: unknown. Affected: yes.